The following is an entry in ClinVar:

NM_013291.3(CPSF1):c.2143G>A (p.Gly715Ser)

Gene: CPSF1 (cleavage and polyadenylation specific factor 1; minus strand). Cytogenetic location: 8q24.3.
Variant type: single nucleotide variant.
Coding change: c.2143G>A on transcript NM_013291.3 (MANE Select); coding-DNA position 2143, G replaced by A.
Protein change: p.Gly715Ser; replaces glycine 715 with serine.
Molecular consequence: missense variant.
Genome position (GRCh38, 1-based): chr8:144,397,810, C>T on the plus strand (G>A on the coding strand, the complement: CPSF1 is on the minus strand). VCF-style: chr8-144397810-C-T. GRCh37 (hg19) VCF-style: chr8-145623025-C-T.
Other names: short protein forms G715S.
Identifiers: ClinVar variation 3352164 (VCV003352164.2).

ClinVar aggregate classification (germline): Uncertain significance. Review status: criteria provided, single submitter (1 of 4 stars). 2 submissions from 2 submitters: Uncertain significance (1). 1 of the submissions does not count toward it. Last evaluated 2025-08-29.

Conditions:
CPSF1-related disorder. Also called: CPSF1-related condition.

gnomAD v4.1: 154 of 1,611,192 alleles (0.0096%); highest among the groups gnomAD compares: African/African-American, 0.067%; no homozygotes.

Submissions (2):

Ambry Genetics
Classification: Uncertain significance. Last evaluated: 2025-08-29. Review status: criteria provided, single submitter. Criteria: Ambry Variant Classification Scheme 2023. Collection method: clinical testing. Allele origin: germline.

PreventionGenetics, part of Exact Sciences
Classification: Likely benign for CPSF1-related condition. Last evaluated: 2024-07-24. Review status: no assertion criteria provided. Collection method: clinical testing. Allele origin: germline. Not counted in ClinVar's aggregate classification.
Comment: This variant is classified as likely benign based on ACMG/AMP sequence variant interpretation guidelines (Richards et al. 2015 PMID: 25741868, with internal and published modifications).